The following is an entry in ClinVar:

ClinVar aggregate classification (germline): Pathogenic (1 of 4 stars; one submission).

Conditions:
Cholestanol storage disease (CTX). Also called: CEREBRAL CHOLESTERINOSIS; Cerebrotendinous Xanthomatosis; CTX: Cerebrotendinous xanthomatosis. Identifiers: Orphanet 909, MedGen C0238052, MONDO:0008948, OMIM 213700.

Submission:

Labcorp Genetics (formerly Invitae), Labcorp
Classification: Pathogenic for Cholestanol storage disease. Last evaluated: 2021-07-03. Review status: criteria provided, single submitter. Criteria: Invitae Variant Classification Sherloc (09022015). Collection method: clinical testing. Allele origin: germline.
Comment: For these reasons, this variant has been classified as Pathogenic. This variant has not been reported in the literature in individuals affected with CYP27A1-related conditions. This variant is not present in population databases (ExAC no frequency). This sequence change creates a premature translational stop signal (p.Thr143Profs*19) in the CYP27A1 gene. It is expected to result in an absent or disrupted protein product. Loss-of-function variants in CYP27A1 are known to be pathogenic (PMID: 9392430, 10775536, 26937392).

Literature cited by the submitters: PubMed 9392430; PubMed 10775536; PubMed 26937392.

NM_000784.4(CYP27A1):c.426del (p.Thr143fs)

Gene: CYP27A1 (cytochrome P450 family 27 subfamily A member 1; plus strand). Cytogenetic location: 2q35.
Variant type: Deletion.
Coding change: c.426del on transcript NM_000784.4 (MANE Select); coding-DNA position 426, one base deleted (G; older notation c.426delG).
Protein change: p.Thr143fs; shifts the reading frame from threonine 143.
Molecular consequence: frameshift variant.
Genome position (GRCh38, 1-based): chr2:218,809,747, G deleted. VCF-style (leftmost placement, unchanged base first): chr2-218809746-TG-T. GRCh37 (hg19) VCF-style: chr2-219674469-TG-T.
Other names: short protein forms T143fs.
Identifiers: ClinVar variation 1448068 (VCV001448068.6), dbSNP rs2105978931, ClinGen allele CA2573135313.